The following is an entry in ClinVar:

NM_001365536.1(SCN9A):c.116A>G (p.Lys39Arg)

Gene: SCN9A (sodium voltage-gated channel alpha subunit 9; minus strand). Cytogenetic location: 2q24.3.
Variant type: single nucleotide variant.
Coding change: c.116A>G on transcript NM_001365536.1 (MANE Select); coding-DNA position 116, A replaced by G.
Protein change: p.Lys39Arg; replaces lysine 39 with arginine.
Molecular consequence: missense variant.
Genome position (GRCh38, 1-based): chr2:166,311,641, T>C on the plus strand (A>G on the coding strand, the complement: SCN9A is on the minus strand). VCF-style: chr2-166311641-T-C. GRCh37 (hg19) VCF-style: chr2-167168151-T-C.
Other names: c.116A>G, p.Lys39Arg (NM_002977.4); short protein forms K39R.
Identifiers: ClinVar variation 1499330 (VCV001499330.6), dbSNP rs773030286, ClinGen allele CA1944889.

ClinVar aggregate classification (germline): Uncertain significance (1 of 4 stars; one submission).

Conditions:
Generalized epilepsy with febrile seizures plus, type 7 (GEFSP7). Also called: GEFS+, TYPE 7. Identifiers: Orphanet 36387, MedGen C2751778, MONDO:0013470, OMIM 613863.
Neuropathy, hereditary sensory and autonomic, type 2A (HSAN2A). Also called: HSAN IIA; WNK1-Related HSAN2 (HSAN2A); MORVAN DISEASE; NEUROPATHY, CONGENITAL SENSORY; NEUROPATHY, HEREDITARY SENSORY RADICULAR, AUTOSOMAL RECESSIVE; NEUROPATHY, HEREDITARY SENSORY, TYPE IIA. Identifiers: Orphanet 970, MedGen C2752089, MONDO:0024309, OMIM 201300.

Allele frequency attached by ClinVar (database versions not stated): ExAC 0.00001; gnomAD exomes below 0.00001.
gnomAD v4.1: 2 of 1,613,446 alleles (0.00012%); highest among the groups gnomAD compares: Non-Finnish European, 0.00017%; no homozygotes.

Submission:

Labcorp Genetics (formerly Invitae), Labcorp
Classification: Uncertain significance for Neuropathy, hereditary sensory and autonomic, type 2A; Generalized epilepsy with febrile seizures plus, type 7. Last evaluated: 2022-03-25. Review status: criteria provided, single submitter. Criteria: Invitae Variant Classification Sherloc (09022015). Collection method: clinical testing. Allele origin: germline.
Comment: This sequence change replaces lysine, which is basic and polar, with arginine, which is basic and polar, at codon 39 of the SCN9A protein (p.Lys39Arg). This variant is present in population databases (rs773030286, gnomAD 0.0009%). This variant has not been reported in the literature in individuals affected with SCN9A-related conditions. Algorithms developed to predict the effect of missense changes on protein structure and function (SIFT, PolyPhen-2, Align-GVGD) all suggest that this variant is likely to be tolerated. In summary, the available evidence is currently insufficient to determine the role of this variant in disease. Therefore, it has been classified as a Variant of Uncertain Significance.